The following is an entry in ClinVar:

NM_003906.5(MCM3AP):c.139G>A (p.Gly47Arg)

Gene: MCM3AP (minichromosome maintenance complex component 3 associated protein; minus strand). Cytogenetic location: 21q22.3.
Variant type: single nucleotide variant.
Coding change: c.139G>A on transcript NM_003906.5 (MANE Select); coding-DNA position 139, G replaced by A.
Protein change: p.Gly47Arg; replaces glycine 47 with arginine.
Molecular consequence: missense variant.
Genome position (GRCh38, 1-based): chr21:46,285,148, C>T on the plus strand (G>A on the coding strand, the complement: MCM3AP is on the minus strand). VCF-style: chr21-46285148-C-T. GRCh37 (hg19) VCF-style: chr21-47705062-C-T.
Other names: short protein forms G47R.
Identifiers: ClinVar variation 3907510 (VCV003907510.1).

ClinVar aggregate classification (germline): Uncertain significance (1 of 4 stars; one submission).

gnomAD v4.1: 11 of 1,614,158 alleles (0.00068%); highest among the groups gnomAD compares: Non-Finnish European, 0.00085%; no homozygotes.

Submission:

Women's Health and Genetics/Laboratory Corporation of America, LabCorp
Classification: Uncertain significance. Last evaluated: 2025-06-26. Review status: criteria provided, single submitter. Criteria: LabCorp Variant Classification Summary - May 2015. Collection method: clinical testing. Allele origin: germline.
Comment: Variant summary: MCM3AP c.139G>A (p.Gly47Arg) results in a non-conservative amino acid change in the encoded protein sequence. Algorithms developed to predict the effect of missense changes on protein structure and function are either unavailable or do not agree on the potential impact of this missense change. The variant allele was found at a frequency of 8e-06 in 251448 control chromosomes (gnomAD). The available data on variant occurrences in the general population are insufficient to allow any conclusion about variant significance. To our knowledge, no occurrence of c.139G>A in individuals affected with Peripheral neuropathy, autosomal recessive, with or without impaired intellectual development and no experimental evidence demonstrating its impact on protein function have been reported. No submitters have cited clinical-significance assessments for this variant to ClinVar. Based on the evidence outlined above, the variant was classified as uncertain significance.